The following is an entry in ClinVar:

ClinVar aggregate classification (germline): Likely benign. Review status: criteria provided, multiple submitters, no conflicts (2 of 4 stars). 3 submissions from 3 submitters: Likely benign (3). Last evaluated 2024-10-17.

Conditions:
CEACAM16-related disorder. Also called: CEACAM16-related condition.

Allele frequency attached by ClinVar (database versions not stated): ExAC 0.00009; gnomAD exomes 0.00009; gnomAD 0.00016 and 0.00017; TOPMed 0.00019; ESP Exome Variant Server 0.00031.
gnomAD v4.1: 131 of 1,613,902 alleles (0.0081%); highest among the groups gnomAD compares: African/African-American, 0.056%; no homozygotes.

Submissions (3):

PreventionGenetics, part of Exact Sciences
Classification: Likely benign for CEACAM16-related condition. Last evaluated: 2024-10-17. Review status: criteria provided, single submitter. Criteria: ACMG Guidelines, 2015. Collection method: clinical testing. Allele origin: germline.
Comment: This variant is classified as likely benign based on ACMG/AMP sequence variant interpretation guidelines (Richards et al. 2015 PMID: 25741868, with internal and published modifications).

CeGaT Center for Human Genetics Tuebingen
Classification: Likely benign. Last evaluated: 2022-02-01. Review status: criteria provided, single submitter. Criteria: CeGaT Center For Human Genetics Tuebingen Variant Classification Criteria Version 2. Collection method: clinical testing. Allele origin: germline. Affected: yes. Observed: 1 variant allele.

GeneDx
Classification: Likely benign. Last evaluated: 2021-06-22. Review status: criteria provided, single submitter. Criteria: GeneDx Variant Classification Process June 2021. Collection method: clinical testing. Allele origin: germline. Affected: yes.
Comment: This variant is associated with the following publications: (PMID: 27535533)

NM_001039213.4(CEACAM16):c.819C>T (p.Asn273=)

Genes: CEACAM16 (CEA cell adhesion molecule 16, tectorial membrane component; plus strand), CEACAM16-AS1 (CEACAM16, CEACAM19 and PVR antisense RNA 1; minus strand). Cytogenetic location: 19q13.32.
Variant type: single nucleotide variant.
Coding change: c.819C>T on transcript NM_001039213.4 (MANE Select); coding-DNA position 819, C replaced by T.
Protein change: p.Asn273=; no amino-acid change (asparagine 273 retained).
Molecular consequence: synonymous variant.
Genome position (GRCh38, 1-based): chr19:44,705,747, C>T. VCF-style: chr19-44705747-C-T. GRCh37 (hg19) VCF-style: chr19-45209017-C-T.
Identifiers: ClinVar variation 1329788 (VCV001329788.36), dbSNP rs376207716, ClinGen allele CA9503152.